The following is an entry in ClinVar:

NM_020937.4(FANCM):c.5134T>C (p.Ser1712Pro)

Gene: FANCM (FA complementation group M; plus strand). Cytogenetic location: 14q21.2.
Variant type: single nucleotide variant.
Coding change: c.5134T>C on transcript NM_020937.4 (MANE Select); coding-DNA position 5134, T replaced by C.
Protein change: p.Ser1712Pro; replaces serine 1712 with proline.
Molecular consequence: missense variant.
Genome position (GRCh38, 1-based): chr14:45,189,156, T>C. VCF-style: chr14-45189156-T-C. GRCh37 (hg19) VCF-style: chr14-45658359-T-C.
Other names: c.5056T>C, p.Ser1686Pro (NM_001308133.2); short protein forms S1712P, S1686P.
Identifiers: ClinVar variation 4619543 (VCV004619543.1).

ClinVar aggregate classification (germline): Uncertain significance (1 of 4 stars; one submission).

Conditions:
Inborn genetic diseases. Identifiers: MedGen C0950123, MeSH D030342.

gnomAD v4.1: 1 of 1,614,192 alleles (0.000062%); highest among the groups gnomAD compares: Admixed American, 0.0017%; no homozygotes.

Submission:

Ambry Genetics
Classification: Uncertain significance for Inborn genetic diseases. Last evaluated: 2025-10-29. Review status: criteria provided, single submitter. Criteria: Ambry Variant Classification Scheme 2023. Collection method: clinical testing. Allele origin: germline.
Comment: The p.S1712P variant (also known as c.5134T>C), located in coding exon 20 of the FANCM gene, results from a T to C substitution at nucleotide position 5134. The serine at codon 1712 is replaced by proline, an amino acid with similar properties. This amino acid position is conserved. In addition, this alteration is predicted to be tolerated by in silico analysis. Based on the available evidence, the clinical significance of this variant remains unclear.